The following is an entry in ClinVar:

ClinVar aggregate classification (germline): Pathogenic (1 of 4 stars; one submission).

Conditions:
Primary ciliary dyskinesia. Also called: Ciliary dyskinesia. Identifiers: Orphanet 244, MedGen C0008780, MONDO:0016575, HP:0012265.

Submission:

Labcorp Genetics (formerly Invitae), Labcorp
Classification: Pathogenic for Primary ciliary dyskinesia. Last evaluated: 2021-12-24. Review status: criteria provided, single submitter. Criteria: Invitae Variant Classification Sherloc (09022015). Collection method: clinical testing. Allele origin: germline.
Comment: This sequence change creates a premature translational stop signal (p.Gln3808Lysfs*48) in the DNAH5 gene. It is expected to result in an absent or disrupted protein product. Loss-of-function variants in DNAH5 are known to be pathogenic (PMID: 11788826, 16627867). This variant is not present in population databases (gnomAD no frequency). This variant has not been reported in the literature in individuals affected with DNAH5-related conditions. For these reasons, this variant has been classified as Pathogenic.

Literature cited by the submitters: PubMed 11788826; PubMed 16627867.

NM_001369.3(DNAH5):c.11421del (p.Gln3808fs)

Gene: DNAH5 (dynein axonemal heavy chain 5; minus strand). Cytogenetic location: 5p15.2.
Variant type: Deletion.
Coding change: c.11421del on transcript NM_001369.3 (MANE Select); coding-DNA position 11421, one base deleted (T; older notation c.11421delT).
Protein change: p.Gln3808fs; shifts the reading frame from glutamine 3808.
Molecular consequence: frameshift variant.
Genome position (GRCh38, 1-based): chr5:13,737,286, A deleted on the plus strand (T on the coding strand, the reverse complement: DNAH5 is on the minus strand); the first of 2 consecutive A bases (chr5:13,737,286-13,737,287); deleting either gives the same sequence. VCF-style (leftmost placement, unchanged base first): chr5-13737285-GA-G. GRCh37 (hg19) VCF-style: chr5-13737394-GA-G.
Other names: short protein forms Q3808fs.
Identifiers: ClinVar variation 1452685 (VCV001452685.6), dbSNP rs2126619895, ClinGen allele CA2573138440.